The following is an entry in ClinVar:

NM_000548.5(TSC2):c.1525A>C (p.Thr509Pro)

Gene: TSC2 (TSC complex subunit 2; plus strand). Cytogenetic location: 16p13.3.
Variant type: single nucleotide variant.
Coding change: c.1525A>C on transcript NM_000548.5 (MANE Select); coding-DNA position 1525, A replaced by C.
Protein change: p.Thr509Pro; replaces threonine 509 with proline.
Molecular consequence: missense variant. On other transcripts: 5 prime UTR variant (1), non-coding transcript variant (5).
Genome position (GRCh38, 1-based): chr16:2,064,353, A>C. VCF-style: chr16-2064353-A-C. GRCh37 (hg19) VCF-style: chr16-2114354-A-C.
Other names: c.1525A>C, p.Thr509Pro (NM_001077183.3, NM_001114382.3, NM_001363528.2 and 6 more transcripts); c.1414A>C, p.Thr472Pro (NM_001318827.2, NM_001406678.1, NM_001406670.1); c.1378A>C, p.Thr460Pro (NM_001318829.2, NM_001406679.1, NM_001406675.1 and 1 more transcripts); c.925A>C, p.Thr309Pro (NM_001318831.2, NM_001406680.1, NM_001406682.1 and 6 more transcripts); c.1558A>C, p.Thr520Pro (NM_001318832.2); c.1468A>C, p.Thr490Pro (NM_001406677.1); c.1063A>C, p.Thr355Pro (NM_001406681.1); c.181A>C, p.Thr61Pro (NM_001406696.1, NM_001406697.1, NM_001406689.1 and 6 more transcripts); and 3 more; short protein forms T472P, T61P, T509P, T355P, T490P, T505P, T520P, T309P.
Identifiers: ClinVar variation 4823963 (VCV004823963.1).

ClinVar aggregate classification (germline): Likely pathogenic (1 of 4 stars; one submission).

Conditions:
Hereditary cancer-predisposing syndrome. Also called: Neoplastic Syndromes, Hereditary; Hereditary neoplastic syndrome; Tumor predisposition; Hereditary Cancer Syndrome. Identifiers: Orphanet 140162, MedGen C0027672, MeSH D009386, MONDO:0015356.

Submission:

Ambry Genetics
Classification: Likely pathogenic for Hereditary cancer-predisposing syndrome. Last evaluated: 2026-02-10. Review status: criteria provided, single submitter. Criteria: Ambry Variant Classification Scheme 2023. Collection method: clinical testing. Allele origin: germline.
Comment: The p.T509P variant (also known as c.1525A>C), located in coding exon 14 of the TSC2 gene, results from an A to C substitution at nucleotide position 1525. The threonine at codon 509 is replaced by proline, an amino acid with highly similar properties. This variant was reported in individuals with features consistent with tuberous sclerosis complex; in at least one individual, it was determined to be de novo (Ambry internal data; Dufner-Almeida LG et al. Genes (Basel), 2024 Nov;15:; Fokkema IF et al. Hum Mutat, 2011 May;32:557-63). This amino acid position is highly conserved in available vertebrate species. In addition, this alteration is predicted to be deleterious by in silico analysis. This variant is considered to be rare based on population cohorts in the Genome Aggregation Database (gnomAD). Based on the majority of available evidence to date, this variant is likely to be pathogenic.

Literature cited by the submitters: PubMed 21520333; PubMed 39596632.